The following is an entry in ClinVar:

NM_016151.4(TAOK2):c.3020G>T (p.Cys1007Phe)

Gene: TAOK2 (TAO kinase 2; plus strand). Cytogenetic location: 16p11.2.
Variant type: single nucleotide variant.
Coding change: c.3020G>T on transcript NM_016151.4 (MANE Select); coding-DNA position 3020, G replaced by T.
Protein change: p.Cys1007Phe; replaces cysteine 1007 with phenylalanine.
Molecular consequence: missense variant. On other transcripts: intron variant (1).
Genome position (GRCh38, 1-based): chr16:29,987,292, G>T. VCF-style: chr16-29987292-G-T. GRCh37 (hg19) VCF-style: chr16-29998613-G-T.
Other names: c.2681G>T, p.Cys894Phe (NM_001252043.2); c.2232+788G>T (NM_004783.4); short protein forms C1007F, C894F.
Identifiers: ClinVar variation 4706849 (VCV004706849.1).

ClinVar aggregate classification (germline): Uncertain significance (1 of 4 stars; one submission).

Submission:

Labcorp Genetics (formerly Invitae), Labcorp
Classification: Uncertain significance. Last evaluated: 2025-04-19. Review status: criteria provided, single submitter. Criteria: Invitae Variant Classification Sherloc (09022015). Collection method: clinical testing. Allele origin: germline.
Comment: This sequence change replaces cysteine, which is neutral and slightly polar, with phenylalanine, which is neutral and non-polar, at codon 1007 of the TAOK2 protein (p.Cys1007Phe). This variant is not present in population databases (gnomAD no frequency). This variant has not been reported in the literature in individuals affected with TAOK2-related conditions. An algorithm developed to predict the effect of missense changes on protein structure and function (PolyPhen-2) suggests that this variant is likely to be disruptive. In summary, the available evidence is currently insufficient to determine the role of this variant in disease. Therefore, it has been classified as a Variant of Uncertain Significance.